The following is an entry in ClinVar:

NM_000236.3(LIPC):c.998G>A (p.Arg333Gln)

Gene: LIPC (lipase C, hepatic type; plus strand). Cytogenetic location: 15q21.3.
Variant type: single nucleotide variant.
Coding change: c.998G>A on transcript NM_000236.3 (MANE Select); coding-DNA position 998, G replaced by A.
Protein change: p.Arg333Gln; replaces arginine 333 with glutamine.
Molecular consequence: missense variant.
Genome position (GRCh38, 1-based): chr15:58,548,519, G>A. VCF-style: chr15-58548519-G-A. GRCh37 (hg19) VCF-style: chr15-58840718-G-A.
Other names: short protein forms R333Q.
Identifiers: ClinVar variation 316669 (VCV000316669.10), dbSNP rs200889722, ClinGen allele CA7585071.

ClinVar aggregate classification (germline): Uncertain significance. Review status: criteria provided, multiple submitters, no conflicts (2 of 4 stars). 2 submissions from 2 submitters: Uncertain significance (2). Last evaluated 2021-08-04.

Conditions:
Hyperlipidemia due to hepatic triglyceride lipase deficiency. Also called: LIPC DEFICIENCY. Identifiers: Orphanet 140905, MedGen C3151466, MONDO:0013533, OMIM 614025.

Allele frequency attached by ClinVar (database versions not stated): TOPMed 0.00010; gnomAD exomes 0.00011 and 0.00009; ExAC 0.00006; ESP Exome Variant Server 0.00008; 1000 Genomes Project 30x 0.00016; 1000 Genomes Project 0.00020.
gnomAD v4.1: 151 of 1,601,682 alleles (0.0094%); highest among the groups gnomAD compares: Middle Eastern, 0.051%; no homozygotes.

Submissions (2):

Labcorp Genetics (formerly Invitae), Labcorp
Classification: Uncertain significance. Last evaluated: 2021-08-04. Review status: criteria provided, single submitter. Criteria: Invitae Variant Classification Sherloc (09022015). Collection method: clinical testing. Allele origin: germline.
Comment: Algorithms developed to predict the effect of missense changes on protein structure and function output the following: SIFT: "Tolerated"; PolyPhen-2: "Benign"; Align-GVGD: "Class C0". The glutamine amino acid residue is found in multiple mammalian species, which suggests that this missense change does not adversely affect protein function. In summary, the available evidence is currently insufficient to determine the role of this variant in disease. Therefore, it has been classified as a Variant of Uncertain Significance. ClinVar contains an entry for this variant (Variation ID: 316669). This variant has not been reported in the literature in individuals affected with LIPC-related conditions. This variant is present in population databases (rs200889722, ExAC 0.02%). This sequence change replaces arginine with glutamine at codon 333 of the LIPC protein (p.Arg333Gln). The arginine residue is moderately conserved and there is a small physicochemical difference between arginine and glutamine.

Illumina Laboratory Services, Illumina
Classification: Uncertain significance for Hyperlipidemia due to hepatic triglyceride lipase deficiency. Last evaluated: 2018-01-13. Review status: criteria provided, single submitter. Criteria: ICSL Variant Classification Criteria 13 December 2019. Collection method: clinical testing. Allele origin: germline.